The following is an entry in ClinVar:

NM_015192.4(PLCB1):c.432A>G (p.Gln144=)

Gene: PLCB1 (phospholipase C beta 1; plus strand). Cytogenetic location: 20p12.3.
Variant type: single nucleotide variant.
Coding change: c.432A>G on transcript NM_015192.4 (MANE Select); coding-DNA position 432, A replaced by G.
Protein change: p.Gln144=; no amino-acid change (glutamine 144 retained).
Molecular consequence: synonymous variant.
Genome position (GRCh38, 1-based): chr20:8,646,149, A>G. VCF-style: chr20-8646149-A-G. GRCh37 (hg19) VCF-style: chr20-8626796-A-G.
Other names: c.432A>G, p.Gln144= (NM_182734.3).
Identifiers: ClinVar variation 1427644 (VCV001427644.30), dbSNP rs142874818, ClinGen allele CA9759677.

ClinVar aggregate classification (germline): Likely benign. Review status: criteria provided, multiple submitters, no conflicts (2 of 4 stars). 2 submissions from 2 submitters: Likely benign (2). Last evaluated 2024-09-01.

Conditions:
Developmental and epileptic encephalopathy, 12 (DEE12). Identifiers: MedGen C3150988, MONDO:0013389, OMIM 613722.

Allele frequency attached by ClinVar (database versions not stated): gnomAD 0.00001; TOPMed 0.00002; gnomAD exomes 0.00004; ExAC 0.00005; ESP Exome Variant Server 0.00015.
gnomAD v4.1: 65 of 1,613,538 alleles (0.004%); highest among the groups gnomAD compares: Non-Finnish European, 0.0047%; no homozygotes.

Submissions (2):

CeGaT Center for Human Genetics Tuebingen
Classification: Likely benign. Last evaluated: 2024-09-01. Review status: criteria provided, single submitter. Criteria: CeGaT Center For Human Genetics Tuebingen Variant Classification Criteria Version 2. Collection method: clinical testing. Allele origin: germline. Affected: yes. Observed: 2 variant alleles.
Comment: PLCB1: BP4, BP7

Labcorp Genetics (formerly Invitae), Labcorp
Classification: Likely benign for Developmental and epileptic encephalopathy, 12. Last evaluated: 2024-02-05. Review status: criteria provided, single submitter. Criteria: Invitae Variant Classification Sherloc (09022015). Collection method: clinical testing. Allele origin: germline.